The following is an entry in ClinVar:

ClinVar aggregate classification (germline): Likely pathogenic. Review status: criteria provided, multiple submitters, no conflicts (2 of 4 stars). 2 submissions from 2 submitters: Likely pathogenic (2). Last evaluated 2025-07-11.

Conditions:
CFAP44-related disorder. Also called: CFAP44-related condition.
Spermatogenic failure 20. Identifiers: MedGen C4539824, MONDO:0054724, OMIM 617593.

Allele frequency attached by ClinVar (database versions not stated): gnomAD 0.00002 and 0.00006; gnomAD exomes 0.00002; ExAC 0.00003; TOPMed 0.00006.

Submissions (2):

PreventionGenetics, part of Exact Sciences
Classification: Likely pathogenic for CFAP44-related condition. Last evaluated: 2025-07-11. Review status: criteria provided, single submitter. Criteria: ACMG Guidelines, 2015. Collection method: clinical testing. Allele origin: germline.
Comment: The CFAP44 c.670C>T variant is predicted to result in premature protein termination (p.Arg224*). To our knowledge, this variant has not been reported in the literature. This variant is reported in 0.0055% of alleles in individuals of East Asian descent in gnomAD. Nonsense variants in CFAP44 are expected to be pathogenic. This variant is interpreted as likely pathogenic.

Neuberg Centre For Genomic Medicine, NCGM
Classification: Likely pathogenic for Spermatogenic failure 20. Review status: criteria provided, single submitter. Criteria: ACMG Guidelines, 2015. Collection method: clinical testing. Allele origin: germline. Affected: yes.
Comment: The stop gained p.R224* in CFAP44 (NM_001164496.2) has not been reported previously as a pathogenic variant nor as a benign variant, to our knowledge. The p.R224* variant is observed in 1/18,172 (0.0055%) alleles from individuals of East Asian background in gnomAD Exomes and is novel (not in any individuals) in 1000 Genomes. This variant is predicted to cause loss of normal protein function through protein truncation. Loss of function variants have been previously reported to be disease causing. For these reasons, this variant has been classified as Likely Pathogenic.

NM_001164496.2(CFAP44):c.670C>T (p.Arg224Ter)

Genes: CFAP44 (cilia and flagella associated protein 44; minus strand), CFAP44-AS1 (CFAP44 antisense RNA 1; plus strand), SPICE1-CFAP44 (SPICE1-CFAP44 readthrough (NMD candidate); minus strand). Cytogenetic location: 3q13.2.
Variant type: single nucleotide variant.
Coding change: c.670C>T on transcript NM_001164496.2 (MANE Select); coding-DNA position 670, C replaced by T.
Protein change: p.Arg224Ter; replaces arginine 224 with a stop codon.
Molecular consequence: nonsense.
Genome position (GRCh38, 1-based): chr3:113,416,528, G>A on the plus strand (C>T on the coding strand, the complement: CFAP44 is on the minus strand). VCF-style: chr3-113416528-G-A. GRCh37 (hg19) VCF-style: chr3-113135375-G-A.
Other names: c.670C>T, p.Arg224Ter (NM_018338.3); c.670C>T (NM_001164496.1); short protein forms R224*.
Identifiers: ClinVar variation 1339091 (VCV001339091.3), dbSNP rs768429457, ClinGen allele CA2544393.
Genomic context (GRCh38, chr3:113,416,528, plus strand): 5'-TCTTCAGAATGTTGTTATCCTTGAACATGAAATATTTAAATATGCTTCTGGACTCACCTC[G>A]AAGGACTCTGTATGGTCTCAGAGAAGGATATTCATAGATGATAATATCTGGAAAACTCCC-3'